The following is an entry in ClinVar:

NM_018557.3(LRP1B):c.5022A>G (p.Gln1674=)

Gene: LRP1B (LDL receptor related protein 1B; minus strand). Cytogenetic location: 2q22.1.
Variant type: single nucleotide variant.
Coding change: c.5022A>G on transcript NM_018557.3 (MANE Select); coding-DNA position 5022, A replaced by G.
Protein change: p.Gln1674=; no amino-acid change (glutamine 1674 retained).
Molecular consequence: synonymous variant.
Genome position (GRCh38, 1-based): chr2:140,841,010, T>C on the plus strand (A>G on the coding strand, the complement: LRP1B is on the minus strand). VCF-style: chr2-140841010-T-C. GRCh37 (hg19) VCF-style: chr2-141598579-T-C.
Identifiers: ClinVar variation 3036737 (VCV003036737.2), dbSNP rs1480126356, ClinGen allele CA428893956.

ClinVar aggregate classification (germline): Likely benign (0 of 4 stars; one submission).

Conditions:
LRP1B-related disorder. Also called: LRP1B-related condition.

Allele frequency attached by ClinVar (database versions not stated): gnomAD exomes 0.00001.
gnomAD v4.1: 4 of 1,613,720 alleles (0.00025%); highest among the groups gnomAD compares: Non-Finnish European, 0.00034%; no homozygotes.

Submission:

PreventionGenetics, part of Exact Sciences
Classification: Likely benign for LRP1B-related condition. Last evaluated: 2020-07-02. Review status: no assertion criteria provided. Collection method: clinical testing. Allele origin: germline.
Comment: This variant is classified as likely benign based on ACMG/AMP sequence variant interpretation guidelines (Richards et al. 2015 PMID: 25741868, with internal and published modifications).